The following is an entry in ClinVar:

NM_199355.4(ADAMTS18):c.2789C>T (p.Ser930Phe)

Gene: ADAMTS18 (ADAM metallopeptidase with thrombospondin type 1 motif 18; minus strand). Cytogenetic location: 16q23.1.
Variant type: single nucleotide variant.
Coding change: c.2789C>T on transcript NM_199355.4 (MANE Select); coding-DNA position 2789, C replaced by T.
Protein change: p.Ser930Phe; replaces serine 930 with phenylalanine.
Molecular consequence: missense variant.
Genome position (GRCh38, 1-based): chr16:77,297,301, G>A on the plus strand (C>T on the coding strand, the complement: ADAMTS18 is on the minus strand). VCF-style: chr16-77297301-G-A. GRCh37 (hg19) VCF-style: chr16-77331198-G-A.
Other names: c.2273C>T, p.Ser758Phe (NM_001326358.2); short protein forms S758F, S930F.
Identifiers: ClinVar variation 1002247 (VCV001002247.10), dbSNP rs1249046298, ClinGen allele CA396834097.

ClinVar aggregate classification (germline): Uncertain significance (1 of 4 stars; one submission).

Allele frequency attached by ClinVar (database versions not stated): gnomAD exomes below 0.00001 and 0.00001.
gnomAD v4.1: 11 of 1,614,190 alleles (0.00068%); highest among the groups gnomAD compares: East Asian, 0.0067%; no homozygotes.

Submission:

Labcorp Genetics (formerly Invitae), Labcorp
Classification: Uncertain significance. Last evaluated: 2022-04-25. Review status: criteria provided, single submitter. Criteria: Invitae Variant Classification Sherloc (09022015). Collection method: clinical testing. Allele origin: germline.
Comment: This sequence change replaces serine, which is neutral and polar, with phenylalanine, which is neutral and non-polar, at codon 930 of the ADAMTS18 protein (p.Ser930Phe). The frequency data for this variant in the population databases is considered unreliable, as metrics indicate poor data quality at this position in the gnomAD database. This variant has not been reported in the literature in individuals affected with ADAMTS18-related conditions. ClinVar contains an entry for this variant (Variation ID: 1002247). Algorithms developed to predict the effect of missense changes on protein structure and function are either unavailable or do not agree on the potential impact of this missense change (SIFT: "Not Available"; PolyPhen-2: "Benign"; Align-GVGD: "Not Available"). In summary, the available evidence is currently insufficient to determine the role of this variant in disease. Therefore, it has been classified as a Variant of Uncertain Significance.